The following is an entry in ClinVar:

NM_080424.4(SP110):c.1106G>C (p.Ser369Thr)

Genes: SP140 (SP140 nuclear body protein; plus strand), SP110 (SP110 nuclear body protein; minus strand). Cytogenetic location: 2q37.1.
Variant type: single nucleotide variant.
Coding change: c.1106G>C on transcript NM_080424.4 (MANE Select); coding-DNA position 1106, G replaced by C.
Protein change: p.Ser369Thr; replaces serine 369 with threonine.
Molecular consequence: missense variant.
Genome position (GRCh38, 1-based): chr2:230,200,908, C>G on the plus strand (G>C on the coding strand, the complement: SP110 is on the minus strand). VCF-style: chr2-230200908-C-G. GRCh37 (hg19) VCF-style: chr2-231065624-C-G.
Other names: c.1124G>C, p.Ser375Thr (NM_001185015.2, NM_001378442.1, NM_001378444.1 and 2 more transcripts); c.1106G>C, p.Ser369Thr (NM_001378443.1, NM_004509.5, NM_004510.4); c.956G>C, p.Ser319Thr (NM_001378447.1); short protein forms S369T, S319T, S375T.
Identifiers: ClinVar variation 1384139 (VCV001384139.8), dbSNP rs1353393264, ClinGen allele CA350910690.

ClinVar aggregate classification (germline): Uncertain significance (1 of 4 stars; one submission).

Conditions:
Hepatic veno-occlusive disease-immunodeficiency syndrome. Also called: Hepatic Veno-Occlusive Disease with Immunodeficiency. Identifiers: Orphanet 79124, MedGen C1856128, MONDO:0009338, OMIM 235550. Disease mechanism: loss of function.

Allele frequency attached by ClinVar (database versions not stated): gnomAD exomes below 0.00001.
gnomAD v4.1: 3 of 1,613,692 alleles (0.00019%); highest among the groups gnomAD compares: East Asian, 0.0022%; no homozygotes.

Submission:

Labcorp Genetics (formerly Invitae), Labcorp
Classification: Uncertain significance for Hepatic veno-occlusive disease-immunodeficiency syndrome. Last evaluated: 2021-04-02. Review status: criteria provided, single submitter. Criteria: Invitae Variant Classification Sherloc (09022015). Collection method: clinical testing. Allele origin: germline.
Comment: This sequence change replaces serine with threonine at codon 369 of the SP110 protein (p.Ser369Thr). The serine residue is weakly conserved and there is a small physicochemical difference between serine and threonine. In summary, the available evidence is currently insufficient to determine the role of this variant in disease. Therefore, it has been classified as a Variant of Uncertain Significance. Algorithms developed to predict the effect of missense changes on protein structure and function are either unavailable or do not agree on the potential impact of this missense change (SIFT: "Tolerated"; PolyPhen-2: "Possibly Damaging"; Align-GVGD: "Class C0"). This variant has not been reported in the literature in individuals with SP110-related conditions. This variant is not present in population databases (ExAC no frequency).